The following is an entry in ClinVar:

ClinVar aggregate classification (germline): Uncertain significance (1 of 4 stars; one submission).

Conditions:
Cardiovascular phenotype. Identifiers: MedGen CN230736.

gnomAD v4.1: 3 of 1,613,516 alleles (0.00019%); highest among the groups gnomAD compares: Non-Finnish European, 0.00025%; no homozygotes.

Submission:

Ambry Genetics
Classification: Uncertain significance for Cardiovascular phenotype. Last evaluated: 2024-12-29. Review status: criteria provided, single submitter. Criteria: Ambry Variant Classification Scheme 2023. Collection method: clinical testing. Allele origin: germline.
Comment: The p.T3227I variant (also known as c.9680C>T), located in coding exon 38 of the ANK2 gene, results from a C to T substitution at nucleotide position 9680. The threonine at codon 3227 is replaced by isoleucine, an amino acid with similar properties. This amino acid position is conserved. In addition, this alteration is predicted to be tolerated by in silico analysis. Based on the available evidence, the clinical significance of this variant remains unclear.

NM_001148.6(ANK2):c.9680C>T (p.Thr3227Ile)

Gene: ANK2 (ankyrin 2; plus strand). Cytogenetic location: 4q26.
Variant type: single nucleotide variant.
Coding change: c.9680C>T on transcript NM_001148.6 (MANE Select); coding-DNA position 9680, C replaced by T.
Protein change: p.Thr3227Ile; replaces threonine 3227 with isoleucine.
Molecular consequence: missense variant. On other transcripts: intron variant (68).
Genome position (GRCh38, 1-based): chr4:113,358,298, C>T. VCF-style: chr4-113358298-C-T. GRCh37 (hg19) VCF-style: chr4-114279454-C-T.
Other names: c.9446C>T, p.Thr3149Ile (NM_001386142.1); c.6080C>T, p.Thr2027Ile (NM_001386166.1); c.9821C>T, p.Thr3274Ile (NM_001386174.1); c.9797C>T, p.Thr3266Ile (NM_001386175.1); c.4412-2525C>T (NM_001386186.2, NM_001386148.2); c.4214-2525C>T (NM_001354269.3); c.4292-2525C>T (NM_001386187.2); c.4253-2525C>T (NM_001386147.1); and 35 more; short protein forms T3266I, T2027I, T3149I, T3227I, T3274I.
Identifiers: ClinVar variation 3863939 (VCV003863939.1).